The following is an entry in ClinVar:

ClinVar aggregate classification (germline): Uncertain significance (1 of 4 stars; one submission).

Conditions:
MHC class I deficiency. Identifiers: Orphanet 34592, MedGen C6024714, MONDO:0011476.

Allele frequency attached by ClinVar (database versions not stated): gnomAD 0.00001; TOPMed below 0.00001; gnomAD exomes 0.00001.

Submission:

Labcorp Genetics (formerly Invitae), Labcorp
Classification: Uncertain significance for MHC class I deficiency 1. Last evaluated: 2021-09-02. Review status: criteria provided, single submitter. Criteria: Invitae Variant Classification Sherloc (09022015). Collection method: clinical testing. Allele origin: germline.
Comment: This sequence change replaces arginine with glutamine at codon 700 of the TAP2 protein (p.Arg700Gln). The arginine residue is weakly conserved and there is a small physicochemical difference between arginine and glutamine. The frequency data for this variant in the population databases is considered unreliable, as metrics indicate insufficient coverage at this position in the ExAC database. This variant has not been reported in the literature in individuals affected with TAP2-related conditions. Algorithms developed to predict the effect of missense changes on protein structure and function output the following: SIFT: "Tolerated"; PolyPhen-2: "Not Available"; Align-GVGD: "Class C0". The glutamine amino acid residue is found in multiple mammalian species, which suggests that this missense change does not adversely affect protein function. In summary, the available evidence is currently insufficient to determine the role of this variant in disease. Therefore, it has been classified as a Variant of Uncertain Significance.

NM_001290043.2(TAP2):c.*38G>A

Gene: TAP2 (transporter 2, ATP binding cassette subfamily B member; minus strand). Cytogenetic location: 6p21.32.
Variant type: single nucleotide variant.
Coding change: c.*38G>A on transcript NM_001290043.2 (MANE Select); 38 bases downstream of the stop codon, G replaced by A.
Molecular consequence: 3 prime UTR variant. On other transcripts: missense variant (1), intron variant (1).
Genome position (GRCh38, 1-based): chr6:32,828,868, C>T on the plus strand (G>A on the coding strand, the complement: TAP2 is on the minus strand). VCF-style: chr6-32828868-C-T. GRCh37 (hg19) VCF-style: chr6-32796645-C-T.
Other names: c.2099G>A, p.Arg700Gln (NM_000544.3); c.1932+532G>A (NM_018833.3); short protein forms R700Q.
Identifiers: ClinVar variation 1471315 (VCV001471315.5), dbSNP rs1322624685, ClinGen allele CA363577591.